The following is an entry in ClinVar:

NM_001379291.1(BRD4):c.3985C>T (p.Arg1329Trp)

Gene: BRD4 (bromodomain containing 4; minus strand). Cytogenetic location: 19p13.12.
Variant type: single nucleotide variant.
Coding change: c.3985C>T on transcript NM_001379291.1 (MANE Select); coding-DNA position 3985, C replaced by T.
Protein change: p.Arg1329Trp; replaces arginine 1329 with tryptophan.
Molecular consequence: missense variant.
Genome position (GRCh38, 1-based): chr19:15,238,778, G>A on the plus strand (C>T on the coding strand, the complement: BRD4 is on the minus strand). VCF-style: chr19-15238778-G-A. GRCh37 (hg19) VCF-style: chr19-15349589-G-A.
Other names: c.3985C>T, p.Arg1329Trp (NM_058243.3); short protein forms R1329W.
Identifiers: ClinVar variation 5017659 (VCV005017659.1).

ClinVar aggregate classification (germline): Uncertain significance (1 of 4 stars; one submission).

Submission:

GeneDx
Classification: Uncertain significance. Last evaluated: 2026-03-29. Review status: criteria provided, single submitter. Criteria: GeneDx Variant Classification Process June 2021. Collection method: clinical testing. Allele origin: germline.
Comment: Not observed at significant frequency in large population cohorts (gnomAD); In silico analysis supports that this missense variant has a deleterious effect on protein structure/function; Has not been previously published as pathogenic or benign to our knowledge